The following is an entry in ClinVar:

NM_001083961.2(WDR62):c.4483C>A (p.Pro1495Thr)

Gene: WDR62 (WD repeat domain 62; plus strand). Cytogenetic location: 19q13.12.
Variant type: single nucleotide variant.
Coding change: c.4483C>A on transcript NM_001083961.2 (MANE Select); coding-DNA position 4483, C replaced by A.
Protein change: p.Pro1495Thr; replaces proline 1495 with threonine.
Molecular consequence: missense variant.
Genome position (GRCh38, 1-based): chr19:36,104,939, C>A. VCF-style: chr19-36104939-C-A. GRCh37 (hg19) VCF-style: chr19-36595841-C-A.
Other names: c.4468C>A, p.Pro1490Thr (NM_173636.5); short protein forms P1495T, P1490T.
Identifiers: ClinVar variation 1361127 (VCV001361127.8), dbSNP rs1292976531, ClinGen allele CA405463187.

ClinVar aggregate classification (germline): Uncertain significance (1 of 4 stars; one submission).

Allele frequency attached by ClinVar (database versions not stated): gnomAD exomes 0.00002 and 0.00004; gnomAD 0.00009; TOPMed 0.00009.
gnomAD v4.1: 22 of 1,608,238 alleles (0.0014%); highest among the groups gnomAD compares: Admixed American, 0.035%; no homozygotes.

Submission:

Labcorp Genetics (formerly Invitae), Labcorp
Classification: Uncertain significance. Last evaluated: 2021-06-25. Review status: criteria provided, single submitter. Criteria: Invitae Variant Classification Sherloc (09022015). Collection method: clinical testing. Allele origin: germline.
Comment: This sequence change replaces proline with threonine at codon 1495 of the WDR62 protein (p.Pro1495Thr). The proline residue is moderately conserved and there is a small physicochemical difference between proline and threonine. This variant is not present in population databases (ExAC no frequency). In summary, the available evidence is currently insufficient to determine the role of this variant in disease. Therefore, it has been classified as a Variant of Uncertain Significance. Algorithms developed to predict the effect of missense changes on protein structure and function are either unavailable or do not agree on the potential impact of this missense change (SIFT: "Deleterious"; PolyPhen-2: "Possibly Damaging"; Align-GVGD: "Class C0"). This variant has not been reported in the literature in individuals affected with WDR62-related conditions.